The following is an entry in ClinVar:

ClinVar aggregate classification (germline): Likely benign. Review status: criteria provided, multiple submitters, no conflicts (2 of 4 stars). 3 submissions from 3 submitters: Likely benign (3). Last evaluated 2025-01-06.

Conditions:
Arrhythmogenic right ventricular dysplasia 5. Also called: Arrhythmogenic Right Ventricular Dysplasia/Cardiomyopathy 5; ARRHYTHMOGENIC RIGHT VENTRICULAR DYSPLASIA, FAMILIAL, 5. Identifiers: MedGen C1858379, MONDO:0011459, OMIM 604400.

Allele frequency attached by ClinVar (database versions not stated): gnomAD exomes below 0.00001; ExAC 0.00001.

Submissions (3):

Women's Health and Genetics/Laboratory Corporation of America, LabCorp
Classification: Likely benign. Last evaluated: 2025-01-06. Review status: criteria provided, single submitter. Criteria: LabCorp Variant Classification Summary - May 2015. Collection method: clinical testing. Allele origin: germline.
Comment: Variant summary: TMEM43 c.442+19dupA alters a nucleotide located at a position not widely known to affect splicing. Consensus agreement among computation tools predict no significant impact on normal splicing. However, these predictions have yet to be confirmed by functional studies. The variant allele was found at a frequency of 4e-06 in 251128 control chromosomes. The available data on variant occurrences in the general population are insufficient to allow any conclusion about variant significance. To our knowledge, no occurrence of c.442+19dupA in individuals affected with Cardiomyopathy and no experimental evidence demonstrating its impact on protein function have been reported. ClinVar contains an entry for this variant (Variation ID: 933173). Based on the evidence outlined above, the variant was classified as likely benign.

Labcorp Genetics (formerly Invitae), Labcorp
Classification: Likely benign for Arrhythmogenic right ventricular dysplasia 5. Last evaluated: 2021-03-10. Review status: criteria provided, single submitter. Criteria: Invitae Variant Classification Sherloc (09022015). Collection method: clinical testing. Allele origin: germline.

Blueprint Genetics
Classification: Likely benign. Last evaluated: 2020-06-05. Review status: criteria provided, single submitter. Criteria: ACMG Guidelines, 2015. Collection method: clinical testing. Allele origin: germline.

NM_024334.3(TMEM43):c.442+19dup

Gene: TMEM43 (transmembrane protein 43; plus strand). Cytogenetic location: 3p25.1.
Variant type: Duplication.
Coding change: c.442+19dup on transcript NM_024334.3 (MANE Select); 19 bases into the intron after coding-DNA position 442, one base duplicated (A; older notation c.442+19dupA).
Molecular consequence: intron variant.
Genome position (GRCh38, 1-based): chr3:14,132,614, A duplicated. VCF-style (leftmost placement, unchanged base first): chr3-14132613-T-TA. GRCh37 (hg19) VCF-style: chr3-14174113-T-TA.
Other names: c.442+19dupA (NM_024334.3).
Identifiers: ClinVar variation 933173 (VCV000933173.11), dbSNP rs768508021, ClinGen allele CA053596.
Genomic context (GRCh38, chr3:14,132,613, plus strand): 5'-ACCGAGGATGGGCAGGTGAAGAAGGAGACGAGGTATTCCTACAGTGAGTGCTGGGCCCCT[T>TA]ACGTGGTCTCTGCCCATGGTGGGGGCCCACAGTGGTGGCTGGACAGCAGGGCTGTTGGTG-3'